The following is an entry in ClinVar:

NM_000936.4(PNLIP):c.1025T>C (p.Phe342Ser)

Gene: PNLIP (pancreatic lipase; plus strand). Cytogenetic location: 10q25.3.
Variant type: single nucleotide variant.
Coding change: c.1025T>C on transcript NM_000936.4 (MANE Select); coding-DNA position 1025, T replaced by C.
Protein change: p.Phe342Ser; replaces phenylalanine 342 with serine.
Molecular consequence: missense variant.
Genome position (GRCh38, 1-based): chr10:116,559,248, T>C. VCF-style: chr10-116559248-T-C. GRCh37 (hg19) VCF-style: chr10-118318760-T-C.
Other names: short protein forms F342S.
Identifiers: ClinVar variation 2025983 (VCV002025983.4), dbSNP rs746305686, ClinGen allele CA378497750.

ClinVar aggregate classification (germline): Uncertain significance (1 of 4 stars; one submission).

Submission:

Labcorp Genetics (formerly Invitae), Labcorp
Classification: Uncertain significance. Last evaluated: 2022-10-17. Review status: criteria provided, single submitter. Criteria: Invitae Variant Classification Sherloc (09022015). Collection method: clinical testing. Allele origin: germline.
Comment: In summary, the available evidence is currently insufficient to determine the role of this variant in disease. Therefore, it has been classified as a Variant of Uncertain Significance. Advanced modeling of protein sequence and biophysical properties (such as structural, functional, and spatial information, amino acid conservation, physicochemical variation, residue mobility, and thermodynamic stability) performed at Invitae indicates that this missense variant is expected to disrupt PNLIP protein function. This variant has not been reported in the literature in individuals affected with PNLIP-related conditions. This variant is not present in population databases (gnomAD no frequency). This sequence change replaces phenylalanine, which is neutral and non-polar, with serine, which is neutral and polar, at codon 342 of the PNLIP protein (p.Phe342Ser).